The following is an entry in ClinVar:

ClinVar aggregate classification (germline): Uncertain significance (1 of 4 stars; one submission).

Submission:

Labcorp Genetics (formerly Invitae), Labcorp
Classification: Uncertain significance. Last evaluated: 2021-07-18. Review status: criteria provided, single submitter. Criteria: Invitae Variant Classification Sherloc (09022015). Collection method: clinical testing. Allele origin: germline.
Comment: Algorithms developed to predict the effect of missense changes on protein structure and function are either unavailable or do not agree on the potential impact of this missense change (SIFT: "Not Available"; PolyPhen-2: "Probably Damaging"; Align-GVGD: "Not Available"). In summary, the available evidence is currently insufficient to determine the role of this variant in disease. Therefore, it has been classified as a Variant of Uncertain Significance. This sequence change replaces serine with valine at codon 471 of the SLC44A4 protein (p.Ser471Val). There is a moderate physicochemical difference between serine and valine. The frequency data for this variant in the population databases is not available, as this variant may be reported as separate entries in the ExAC database. This variant has not been reported in the literature in individuals affected with SLC44A4-related conditions.

NM_025257.3(SLC44A4):c.1411_1412delinsGT (p.Ser471Val)

Gene: SLC44A4 (solute carrier family 44 member 4; minus strand). Cytogenetic location: 6p21.33.
Variant type: Indel.
Coding change: c.1411_1412delinsGT on transcript NM_025257.3 (MANE Select); coding-DNA positions 1411 to 1412, TC replaced by GT.
Protein change: p.Ser471Val; replaces serine 471 with valine.
Molecular consequence: missense variant.
Genome position (GRCh38, 1-based): chr6:31,865,948-31,865,949, GA replaced by AC on the plus strand (TC replaced by GT on the coding strand, the reverse complement: SLC44A4 is on the minus strand). VCF-style: chr6-31865948-GA-AC. GRCh37 (hg19) VCF-style: chr6-31833725-GA-AC.
Other names: c.1285_1286delinsGT, p.Ser429Val (NM_001178044.2); c.1183_1184delinsGT, p.Ser395Val (NM_001178045.2); short protein forms S395V, S429V, S471V.
Identifiers: ClinVar variation 1368514 (VCV001368514.8), dbSNP rs2151554835, ClinGen allele CA2573140176.